The following is an entry in ClinVar:

NM_000038.6(APC):c.531+896T>C

Gene: APC (APC regulator of WNT signaling pathway; plus strand). Cytogenetic location: 5q22.2.
Variant type: single nucleotide variant.
Coding change: c.531+896T>C on transcript NM_000038.6 (MANE Select); 896 bases into the intron after coding-DNA position 531, T replaced by C.
Molecular consequence: intron variant.
Genome position (GRCh38, 1-based): chr5:112,776,633, T>C. VCF-style: chr5-112776633-T-C. GRCh37 (hg19) VCF-style: chr5-112112330-T-C.
Other names: c.531+896T>C (NM_001354895.2, NM_001127510.3, NM_001354896.2 and 2 more transcripts); c.561+896T>C (NM_001354897.2, NM_001354902.2, NM_001127511.3); c.456+896T>C (NM_001354898.2, NM_001354904.2); c.-505+896T>C (NM_001354906.2); c.354+896T>C (NM_001354900.2, NM_001354901.2, NM_001354905.2).
Identifiers: ClinVar variation 82427 (VCV000082427.2), dbSNP rs74950366, ClinGen allele CA010208.
Genomic context (GRCh38, chr5:112,776,633, plus strand): 5'-TATGCCTGTAACCCCAGCACTTTGGGAGGCTGAGAAAGGTGGATCACTTAAGGCCAGGAG[T>C]TCGAGACCAGCCTGGTCAACATGGTGAAACTCTGTCTCTACTAAAGTAAATACAAAAATT-3'

ClinVar aggregate classification (germline): other (0 of 4 stars; one submission).

Conditions:
Familial colorectal cancer. Identifiers: MedGen CN280943, MONDO:0023113. Disease mechanism: loss of function.

Submission:

Systems Biology Platform Zhejiang California International NanoSystems Institute
Classification: other for Familial colorectal cancer. Review status: no assertion criteria provided. Collection method: not provided. Allele origin: unknown.
ClinVar note: Converted during submission from cancer to other.